The following is an entry in ClinVar:

ClinVar aggregate classification (germline): Uncertain significance. Review status: criteria provided, multiple submitters, no conflicts (2 of 4 stars). 2 submissions from 2 submitters: Uncertain significance (2). Last evaluated 2025-07-17.

Conditions:
Inborn genetic diseases. Identifiers: MedGen C0950123, MeSH D030342.

Allele frequency attached by ClinVar (database versions not stated): gnomAD 0.00015; 1000 Genomes Project 30x 0.00016; 1000 Genomes Project 0.00020; ESP Exome Variant Server 0.00016.
gnomAD v4.1: 36 of 1,613,400 alleles (0.0022%); highest among the groups gnomAD compares: African/African-American, 0.048%; no homozygotes.

Submissions (2):

GeneDx
Classification: Uncertain significance. Last evaluated: 2025-07-17. Review status: criteria provided, single submitter. Criteria: GeneDx Variant Classification Process June 2021. Collection method: clinical testing. Allele origin: germline.
Comment: In silico analysis suggests that this missense variant does not alter protein structure/function; Has not been previously published as pathogenic or benign to our knowledge

Ambry Genetics
Classification: Uncertain significance for Inborn genetic diseases. Last evaluated: 2024-12-13. Review status: criteria provided, single submitter. Criteria: Ambry Variant Classification Scheme 2023. Collection method: clinical testing. Allele origin: germline.

NM_032229.3(SLITRK6):c.2021C>T (p.Ser674Phe)

Gene: SLITRK6 (SLIT and NTRK like family member 6; minus strand). Cytogenetic location: 13q31.1.
Variant type: single nucleotide variant.
Coding change: c.2021C>T on transcript NM_032229.3 (MANE Select); coding-DNA position 2021, C replaced by T.
Protein change: p.Ser674Phe; replaces serine 674 with phenylalanine.
Molecular consequence: missense variant.
Genome position (GRCh38, 1-based): chr13:85,794,488, G>A on the plus strand (C>T on the coding strand, the complement: SLITRK6 is on the minus strand). VCF-style: chr13-85794488-G-A. GRCh37 (hg19) VCF-style: chr13-86368623-G-A.
Other names: short protein forms S674F.
Identifiers: ClinVar variation 3252711 (VCV003252711.3), dbSNP rs200379974.